The following is an entry in ClinVar:

ClinVar aggregate classification (germline): Uncertain significance (1 of 4 stars; one submission).

Conditions:
Combined immunodeficiency due to ORAI1 deficiency. Also called: IMMUNODEFICIENCY 9. Identifiers: Orphanet 169090, Orphanet 317428, MedGen C2748568, MONDO:0013007, OMIM 612782.
Myopathy, tubular aggregate, 2 (TAM2). Identifiers: MedGen C4014557, MONDO:0014383, OMIM 615883.

Allele frequency attached by ClinVar (database versions not stated): gnomAD exomes below 0.00001.

Submission:

Labcorp Genetics (formerly Invitae), Labcorp
Classification: Uncertain significance for Myopathy, tubular aggregate, 2; Combined immunodeficiency due to ORAI1 deficiency. Last evaluated: 2025-11-24. Review status: criteria provided, single submitter. Criteria: Invitae Variant Classification Sherloc (09022015). Collection method: clinical testing. Allele origin: germline.
Comment: This sequence change replaces histidine, which is basic and polar, with arginine, which is basic and polar, at codon 288 of the ORAI1 protein (p.His288Arg). This variant is not present in population databases (gnomAD no frequency). This variant has not been reported in the literature in individuals affected with ORAI1-related conditions. ClinVar contains an entry for this variant (Variation ID: 2932828). Experimental studies and prediction algorithms are not available or were not evaluated, and the functional significance of this variant is currently unknown. In summary, the available evidence is currently insufficient to determine the role of this variant in disease. Therefore, it has been classified as a Variant of Uncertain Significance.

NM_032790.4(ORAI1):c.863A>G (p.His288Arg)

Gene: ORAI1 (ORAI calcium release-activated calcium modulator 1; plus strand). Cytogenetic location: 12q24.31.
Variant type: single nucleotide variant.
Coding change: c.863A>G on transcript NM_032790.4 (MANE Select); coding-DNA position 863, A replaced by G.
Protein change: p.His288Arg; replaces histidine 288 with arginine.
Molecular consequence: missense variant. On other transcripts: non-coding transcript variant (1).
Genome position (GRCh38, 1-based): chr12:121,641,600, A>G. VCF-style: chr12-121641600-A-G. GRCh37 (hg19) VCF-style: chr12-122079506-A-G.
Other names: short protein forms H288R.
Identifiers: ClinVar variation 2932828 (VCV002932828.3), dbSNP rs2503544846, ClinGen allele CA386984791.